The following is an entry in ClinVar:

ClinVar aggregate classification (germline): Uncertain significance (0 of 4 stars; one submission).

gnomAD v4.1: 3 of 1,614,238 alleles (0.00019%); highest among the groups gnomAD compares: Admixed American, 0.0017%; no homozygotes.

Submission:

Department of Pathology and Laboratory Medicine, Sinai Health System
Classification: Uncertain significance. Review status: no assertion criteria provided. Collection method: clinical testing. Allele origin: unknown. Affected: yes. Study: The Canadian Open Genetics Repository (COGR).
Comment: The BSND p.R232S variant was not identified in the literature nor was it identified in ClinVar. The variant was identified in dbSNP (ID: rs886046424) but was not identified in the following control databases: the 1000 Genomes Project, the NHLBI GO Exome Sequencing Project, or the Genome Aggregation Database (March 6, 2019, v2.1.1). The p.R232 residue is not conserved in mammals and computational analyses (PolyPhen-2, SIFT, MutationTaster, Revel, FATHMM, MetaLR, DANN) do not suggest a high likelihood of impact to the protein; however, this information is not predictive enough to rule out pathogenicity. The variant occurs outside of the splicing consensus sequence and in silico or computational prediction software programs (Splice AI exome) do not predict a difference in splicing. In summary, based on the above information the clinical significance of this variant cannot be determined with certainty at this time. This variant is classified as a variant of uncertain significance.

NM_057176.3(BSND):c.696G>T (p.Arg232Ser)

Gene: BSND (barttin CLCNK type accessory subunit beta; plus strand). Cytogenetic location: 1p32.3.
Variant type: single nucleotide variant.
Coding change: c.696G>T on transcript NM_057176.3 (MANE Select); coding-DNA position 696, G replaced by T.
Protein change: p.Arg232Ser; replaces arginine 232 with serine.
Molecular consequence: missense variant.
Genome position (GRCh38, 1-based): chr1:55,008,361, G>T. VCF-style: chr1-55008361-G-T. GRCh37 (hg19) VCF-style: chr1-55474034-G-T.
Other names: short protein forms R232S.
Identifiers: ClinVar variation 1050061 (VCV001050061.1), dbSNP rs886046424, ClinGen allele CA22769609.